The following is an entry in ClinVar:

ClinVar aggregate classification (germline): Uncertain significance (1 of 4 stars; one submission).

Submission:

GeneDx
Classification: Uncertain significance. Last evaluated: 2026-06-14. Review status: criteria provided, single submitter. Criteria: GeneDx Variant Classification Process June 2021. Collection method: clinical testing. Allele origin: germline.
Comment: Not observed at significant frequency in large population cohorts (gnomAD); In silico analysis supports that this missense variant has a deleterious effect on protein structure/function; Has not been previously published as pathogenic or benign to our knowledge

NM_007279.3(U2AF2):c.887C>T (p.Thr296Met)

Gene: U2AF2 (U2 small nuclear RNA auxiliary factor 2; plus strand). Cytogenetic location: 19q13.42.
Variant type: single nucleotide variant.
Coding change: c.887C>T on transcript NM_007279.3 (MANE Select); coding-DNA position 887, C replaced by T.
Protein change: p.Thr296Met; replaces threonine 296 with methionine.
Molecular consequence: missense variant.
Genome position (GRCh38, 1-based): chr19:55,668,734, C>T. VCF-style: chr19-55668734-C-T. GRCh37 (hg19) VCF-style: chr19-56180100-C-T.
Other names: c.887C>T, p.Thr296Met (NM_001012478.2); short protein forms T296M.
Identifiers: ClinVar variation 4538069 (VCV004538069.2).
Genomic context (GRCh38, chr19:55,668,734, plus strand): 5'-AAGAGCTGCTGACATCCTTTGGGCCCCTCAAGGCCTTCAACCTGGTCAAGGACAGTGCCA[C>T]GGGGCTCTCCAAGGGCTACGCCTTCTGTGAGTACGTGGACATCAACGTCACGGATCAGGT-3'
Protein context (NP_009210.1, residues 286-306): KAFNLVKDSA[Thr296Met]GLSKGYAFCE